The following is an entry in ClinVar:

NM_152419.3(HGSNAT):c.619C>T (p.Arg207Cys)

Gene: HGSNAT (heparan-alpha-glucosaminide N-acetyltransferase; plus strand). Cytogenetic location: 8p11.21.
Variant type: single nucleotide variant.
Coding change: c.619C>T on transcript NM_152419.3 (MANE Select); coding-DNA position 619, C replaced by T.
Protein change: p.Arg207Cys; replaces arginine 207 with cysteine.
Molecular consequence: missense variant. On other transcripts: 5 prime UTR variant (1).
Genome position (GRCh38, 1-based): chr8:43,169,228, C>T. VCF-style: chr8-43169228-C-T. GRCh37 (hg19) VCF-style: chr8-43024371-C-T.
Other names: c.619C>T, p.Arg207Cys (NM_001363227.2, NM_001363228.2); c.-215C>T (NM_001363229.2); short protein forms R207C.
Identifiers: ClinVar variation 969421 (VCV000969421.7), dbSNP rs199861011, ClinGen allele CA4736565.

ClinVar aggregate classification (germline): Uncertain significance. Review status: criteria provided, multiple submitters, no conflicts (2 of 4 stars). 4 submissions from 4 submitters: Uncertain significance (3). 1 of the submissions does not count toward it. Last evaluated 2025-05-19.

Conditions:
HGSNAT-related disorder. Also called: HGSNAT-related condition.
Mucopolysaccharidosis, MPS-III-C (MPS3C). Also called: MPS IIIC (Sanfilippo Syndrome Type C); MUCOPOLYSACCHARIDOSIS, TYPE IIIC; Mucopolysaccharidosis type IIIC (Sanfilippo C); mucopolysaccharidosis type 3C; SANFILIPPO SYNDROME C; MPS III C. Identifiers: Orphanet 581, Orphanet 79271, MedGen C0086649, MONDO:0009657, OMIM 252930.
Retinitis pigmentosa 73 (RP73). Identifiers: Orphanet 791, MedGen C4225287, MONDO:0014687, OMIM 616544.

Allele frequency attached by ClinVar (database versions not stated): ESP Exome Variant Server 0.00017; ExAC 0.00009; gnomAD 0.00001; gnomAD exomes 0.00002 and 0.00005; TOPMed 0.00003.
gnomAD v4.1: 24 of 1,581,620 alleles (0.0015%); highest among the groups gnomAD compares: Admixed American, 0.012%; no homozygotes.

Submissions (4):

PreventionGenetics, part of Exact Sciences
Classification: Uncertain significance for HGSNAT-related condition. Last evaluated: 2025-05-19. Review status: criteria provided, single submitter. Criteria: ACMG Guidelines, 2015. Collection method: clinical testing. Allele origin: germline.
Comment: The HGSNAT c.619C>T variant is predicted to result in the amino acid substitution p.Arg207Cys. To our knowledge, this variant has not been reported in the literature. This variant is reported in 0.017% of alleles in individuals of Latino descent in gnomAD. At this time, the clinical significance of this variant is uncertain due to the absence of conclusive functional and genetic evidence.

Labcorp Genetics (formerly Invitae), Labcorp
Classification: Uncertain significance for Retinitis pigmentosa 73; Mucopolysaccharidosis, MPS-III-C. Last evaluated: 2024-06-17. Review status: criteria provided, single submitter. Criteria: Invitae Variant Classification Sherloc (09022015). Collection method: clinical testing. Allele origin: germline.
Comment: This sequence change replaces arginine, which is basic and polar, with cysteine, which is neutral and slightly polar, at codon 207 of the HGSNAT protein (p.Arg207Cys). The frequency data for this variant in the population databases is considered unreliable, as metrics indicate poor data quality at this position in the gnomAD database. This variant has not been reported in the literature in individuals affected with HGSNAT-related conditions. ClinVar contains an entry for this variant (Variation ID: 969421). Advanced modeling of protein sequence and biophysical properties (such as structural, functional, and spatial information, amino acid conservation, physicochemical variation, residue mobility, and thermodynamic stability) has been performed at Invitae for this missense variant, however the output from this modeling did not meet the statistical confidence thresholds required to predict the impact of this variant on HGSNAT protein function. In summary, the available evidence is currently insufficient to determine the role of this variant in disease. Therefore, it has been classified as a Variant of Uncertain Significance.

Blueprint Genetics
Classification: Uncertain significance. Last evaluated: 2022-10-18. Review status: criteria provided, single submitter. Criteria: ACMG Guidelines, 2015. Collection method: clinical testing. Allele origin: germline.

Natera, Inc.
Classification: Uncertain significance for Mucopolysaccharidosis type IIIC. Last evaluated: 2020-09-09. Review status: no assertion criteria provided. Collection method: clinical testing. Allele origin: germline. Not counted in ClinVar's aggregate classification.